The following is an entry in ClinVar:

NM_002529.4(NTRK1):c.2205+3C>G

Gene: NTRK1 (neurotrophic receptor tyrosine kinase 1; plus strand). Cytogenetic location: 1q23.1.
Variant type: single nucleotide variant.
Coding change: c.2205+3C>G on transcript NM_002529.4 (MANE Select); 3 bases into the intron after coding-DNA position 2205, C replaced by G.
Molecular consequence: intron variant.
Genome position (GRCh38, 1-based): chr1:156,880,160, C>G. VCF-style: chr1-156880160-C-G. GRCh37 (hg19) VCF-style: chr1-156849952-C-G.
Other names: c.2097+3C>G (NM_001007792.1); c.2187+3C>G (NM_001012331.2).
Identifiers: ClinVar variation 2173284 (VCV002173284.1), dbSNP rs777506089, ClinGen allele CA1169591.

ClinVar aggregate classification (germline): Uncertain significance (1 of 4 stars; one submission).

Conditions:
Hereditary insensitivity to pain with anhidrosis (CIPA). Also called: hereditary sensory and autonomic neuropathy type 4; HSAN Type IV; FAMILIAL DYSAUTONOMIA, TYPE II; NTRK1 Congenital Insensitivity to Pain with Anhidrosis; NEUROPATHY, CONGENITAL SENSORY, WITH ANHIDROSIS; INSENSITIVITY TO PAIN, CONGENITAL, WITH ANHIDROSIS. Identifiers: Orphanet 642, MedGen C0020074, MONDO:0009746, OMIM 256800.

Allele frequency attached by ClinVar (database versions not stated): TOPMed below 0.00001; gnomAD 0.00001; gnomAD exomes 0.00001; ExAC 0.00002.
gnomAD v4.1: 25 of 1,612,866 alleles (0.0016%); highest among the groups gnomAD compares: Non-Finnish European, 0.0017%; no homozygotes.

Submission:

Labcorp Genetics (formerly Invitae), Labcorp
Classification: Uncertain significance for Hereditary insensitivity to pain with anhidrosis. Last evaluated: 2021-09-16. Review status: criteria provided, single submitter. Criteria: Invitae Variant Classification Sherloc (09022015). Collection method: clinical testing. Allele origin: germline.
Comment: This sequence change falls in intron 15 of the NTRK1 gene. It does not directly change the encoded amino acid sequence of the NTRK1 protein, but it affects a nucleotide within the consensus splice site of the intron. This variant is present in population databases (rs777506089, ExAC 0.003%). This variant has not been reported in the literature in individuals with NTRK1-related conditions. Nucleotide substitutions within the consensus splice site are a relatively common cause of aberrant splicing (PMID: 17576681, 9536098). Algorithms developed to predict the effect of sequence changes on RNA splicing suggest that this variant is not likely to affect RNA splicing, but this prediction has not been confirmed by published transcriptional studies. In summary, the available evidence is currently insufficient to determine the role of this variant in disease. Therefore, it has been classified as a Variant of Uncertain Significance.

Literature cited by the submitters: PubMed 17576681; PubMed 9536098.